The following is an entry in ClinVar:

ClinVar aggregate classification (germline): Uncertain significance (1 of 4 stars; one submission).

Conditions:
Inborn genetic diseases. Identifiers: MedGen C0950123, MeSH D030342.

Allele frequency attached by ClinVar (database versions not stated): gnomAD exomes 0.00001; TOPMed 0.00001; gnomAD 0.00002.
gnomAD v4.1: 26 of 1,614,052 alleles (0.0016%); highest among the groups gnomAD compares: Non-Finnish European, 0.002%; no homozygotes.

Submission:

Ambry Genetics
Classification: Uncertain significance for Inborn genetic diseases. Last evaluated: 2020-11-19. Review status: criteria provided, single submitter. Criteria: Ambry Variant Classification Scheme 2023. Collection method: clinical testing. Allele origin: germline.
Comment: The c.8155C>T (p.P2719S) alteration is located in exon 58 (coding exon 58) of the SZT2 gene. This alteration results from a C to T substitution at nucleotide position 8155, causing the proline (P) at amino acid position 2719 to be replaced by a serine (S). The p.P2719S alteration is predicted to be tolerated by in silico analysis. Based on insufficient or conflicting evidence, the clinical significance of this alteration remains unclear.

NM_001365999.1(SZT2):c.8326C>T (p.Pro2776Ser)

Gene: SZT2 (SZT2 subunit of KICSTOR complex; plus strand). Cytogenetic location: 1p34.2.
Variant type: single nucleotide variant.
Coding change: c.8326C>T on transcript NM_001365999.1 (MANE Select); coding-DNA position 8326, C replaced by T.
Protein change: p.Pro2776Ser; replaces proline 2776 with serine.
Molecular consequence: missense variant.
Genome position (GRCh38, 1-based): chr1:43,442,993, C>T. VCF-style: chr1-43442993-C-T. GRCh37 (hg19) VCF-style: chr1-43908664-C-T.
Other names: c.8155C>T, p.Pro2719Ser (NM_015284.4); short protein forms P2719S, P2776S.
Identifiers: ClinVar variation 2344444 (VCV002344444.2), dbSNP rs1489090692, ClinGen allele CA340038561.